The following is an entry in ClinVar:

ClinVar aggregate classification (germline): Uncertain significance (1 of 4 stars; one submission).

Conditions:
Autosomal dominant nonsyndromic hearing loss 1. Also called: KONIGSMARK SYNDROME; DEAFNESS, AUTOSOMAL DOMINANT 1, WITH OR WITHOUT THROMBOCYTOPENIA. Identifiers: Orphanet 90635, MedGen C1852282, MONDO:0007424, OMIM 124900.
Progressive microcephaly-seizures-cortical blindness-developmental delay syndrome. Also called: Seizures, cortical blindness, and microcephaly syndrome. Identifiers: Orphanet 477814, MedGen C5567650, MONDO:0014714, OMIM 616632.

Submission:

Labcorp Genetics (formerly Invitae), Labcorp
Classification: Uncertain significance for Progressive microcephaly-seizures-cortical blindness-developmental delay syndrome; Autosomal dominant nonsyndromic hearing loss 1. Last evaluated: 2022-06-13. Review status: criteria provided, single submitter. Criteria: Invitae Variant Classification Sherloc (09022015). Collection method: clinical testing. Allele origin: germline.
Comment: In summary, the available evidence is currently insufficient to determine the role of this variant in disease. Therefore, it has been classified as a Variant of Uncertain Significance. Algorithms developed to predict the effect of missense changes on protein structure and function (SIFT, PolyPhen-2, Align-GVGD) all suggest that this variant is likely to be disruptive. This variant has not been reported in the literature in individuals affected with DIAPH1-related conditions. This variant is not present in population databases (gnomAD no frequency). This sequence change replaces aspartic acid, which is acidic and polar, with valine, which is neutral and non-polar, at codon 1125 of the DIAPH1 protein (p.Asp1125Val).

NM_005219.5(DIAPH1):c.3374A>T (p.Asp1125Val)

Gene: DIAPH1 (diaphanous related formin 1; minus strand). Cytogenetic location: 5q31.3.
Variant type: single nucleotide variant.
Coding change: c.3374A>T on transcript NM_005219.5 (MANE Select); coding-DNA position 3374, A replaced by T.
Protein change: p.Asp1125Val; replaces aspartic acid 1125 with valine.
Molecular consequence: missense variant.
Genome position (GRCh38, 1-based): chr5:141,526,361, T>A on the plus strand (A>T on the coding strand, the complement: DIAPH1 is on the minus strand). VCF-style: chr5-141526361-T-A. GRCh37 (hg19) VCF-style: chr5-140905928-T-A.
Other names: c.3347A>T, p.Asp1116Val (NM_001079812.3); c.3374A>T, p.Asp1125Val (NM_001314007.2); short protein forms D1116V, D1125V.
Identifiers: ClinVar variation 1354208 (VCV001354208.8), dbSNP rs1490710264, ClinGen allele CA361578684.